The following is an entry in ClinVar:

NM_003848.4(SUCLG2):c.423G>A (p.Met141Ile)

Gene: SUCLG2 (succinate-CoA ligase GDP-forming subunit beta; minus strand). Cytogenetic location: 3p14.1.
Variant type: single nucleotide variant.
Coding change: c.423G>A on transcript NM_003848.4 (MANE Select); coding-DNA position 423, G replaced by A.
Protein change: p.Met141Ile; replaces methionine 141 with isoleucine.
Molecular consequence: missense variant.
Genome position (GRCh38, 1-based): chr3:67,520,629, C>T on the plus strand (G>A on the coding strand, the complement: SUCLG2 is on the minus strand). VCF-style: chr3-67520629-C-T. GRCh37 (hg19) VCF-style: chr3-67571053-C-T.
Other names: c.423G>A, p.Met141Ile (NM_001177599.2); short protein forms M141I.
Identifiers: ClinVar variation 3451093 (VCV003451093.3).

ClinVar aggregate classification (germline): Uncertain significance. Review status: criteria provided, multiple submitters, no conflicts (2 of 4 stars). 2 submissions from 2 submitters: Uncertain significance (2). Last evaluated 2024-11-22.

Submissions (2):

Ambry Genetics
Classification: Uncertain significance. Last evaluated: 2024-11-22. Review status: criteria provided, single submitter. Criteria: Ambry Variant Classification Scheme 2023. Collection method: clinical testing. Allele origin: germline.

Labcorp Genetics (formerly Invitae), Labcorp
Classification: Uncertain significance. Last evaluated: 2024-10-23. Review status: criteria provided, single submitter. Criteria: Invitae Variant Classification Sherloc (09022015). Collection method: clinical testing. Allele origin: germline.
Comment: This sequence change replaces methionine, which is neutral and non-polar, with isoleucine, which is neutral and non-polar, at codon 141 of the SUCLG2 protein (p.Met141Ile). This variant is present in population databases (rs540777503, gnomAD 0.05%). This variant has not been reported in the literature in individuals affected with SUCLG2-related conditions. An algorithm developed to predict the effect of missense changes on protein structure and function (PolyPhen-2) suggests that this variant is likely to be disruptive. In summary, the available evidence is currently insufficient to determine the role of this variant in disease. Therefore, it has been classified as a Variant of Uncertain Significance.